The following is an entry in ClinVar:

ClinVar aggregate classification (germline): VUS-high (1 of 4 stars; one submission).

Conditions:
Hereditary spherocytosis (SPH). Also called: Congenital spherocytic hemolytic anemia; Congenital spherocytosis. Identifiers: Orphanet 822, MedGen C0037889, MONDO:0019350. Disease mechanism: loss of function.

Submission:

MVZ Dr. Eberhard & Partner Dortmund
Classification: VUS-high for Hereditary spherocytosis. Last evaluated: 2026-05-05. Review status: criteria provided, single submitter. Criteria: ACMG Guidelines, 2015. Collection method: clinical testing. Allele origin: unknown. Inheritance: Autosomal dominant inheritance. Affected: yes. Observed: 1 variant allele, 1 heterozygote.
Comment: The dinucleotide deletion c.4474-1_4474delinsTT was not present in literature or in variant databases (e.g. HGMD, GnomAD). It affects the highly conserved acceptor splice site of intron 21, and in silico splice analyses (by SpliceAI-Lookup, GeneSplicer, NNSPLICE, MaxEntScan, SpliceSiteFinder-like) consistently indicate that this variant leads to loss of the splice acceptor site. It is currently unclear whether this variant results in retention of intron 22 (leading to the formation of a premature stop codon) or skipping of exon 22 (resulting in an in-frame loss of 30 amino acids). The available data are not yet sufficient for a definitive assessment of this variant with regard to SPTB-associated HS, and therefore, according to ACMG criteria, this variant currently has been classified as a variant of uncertain significance (VUS).

NM_001355436.2(SPTB):c.4474-1_4474delinsTT

Gene: SPTB (spectrin beta, erythrocytic; minus strand). Cytogenetic location: 14q23.3.
Variant type: Indel.
Coding change: c.4474-1_4474delinsTT on transcript NM_001355436.2 (MANE Select); the canonical splice acceptor site of the intron before coding-DNA position 4474 through coding-DNA position 4474, GC replaced by TT.
Molecular consequence: splice acceptor variant.
Genome position (GRCh38, 1-based): chr14:64,779,246-64,779,247, GC replaced by AA on the plus strand (GC replaced by TT on the coding strand, the reverse complement: SPTB is on the minus strand). VCF-style: chr14-64779246-GC-AA. GRCh37 (hg19) VCF-style: chr14-65245964-GC-AA.
Other names: c.4474-1_4474delinsTT (NM_001024858.4, NM_001355437.2).
Identifiers: ClinVar variation 4851309 (VCV004851309.1).